The following is an entry in ClinVar:

NM_015311.3(OBSL1):c.4898G>A (p.Arg1633Gln)

Gene: OBSL1 (obscurin like cytoskeletal adaptor 1; minus strand). Cytogenetic location: 2q35.
Variant type: single nucleotide variant.
Coding change: c.4898G>A on transcript NM_015311.3 (MANE Select); coding-DNA position 4898, G replaced by A.
Protein change: p.Arg1633Gln; replaces arginine 1633 with glutamine.
Molecular consequence: missense variant.
Genome position (GRCh38, 1-based): chr2:219,553,665, C>T on the plus strand (G>A on the coding strand, the complement: OBSL1 is on the minus strand). VCF-style: chr2-219553665-C-T. GRCh37 (hg19) VCF-style: chr2-220418387-C-T.
Other names: c.4898G>A (NM_015311.2); short protein forms R1633Q.
Identifiers: ClinVar variation 1519878 (VCV001519878.5), dbSNP rs747860748, ClinGen allele CA2130386.

ClinVar aggregate classification (germline): Conflicting classifications of pathogenicity. Review status: criteria provided, conflicting classifications (1 of 4 stars). 2 submissions from 2 submitters: Uncertain significance (1); Likely benign (1). Last evaluated 2025-07-21.

Conditions:
Inborn genetic diseases. Identifiers: MedGen C0950123, MeSH D030342.

Allele frequency attached by ClinVar (database versions not stated): gnomAD exomes 0.00002 and 0.00003; ExAC 0.00003; TOPMed 0.00008; gnomAD 0.00009 and 0.00011.

Submissions (2):

Labcorp Genetics (formerly Invitae), Labcorp
Classification: Uncertain significance. Last evaluated: 2025-07-21. Review status: criteria provided, single submitter. Criteria: Invitae Variant Classification Sherloc (09022015). Collection method: clinical testing. Allele origin: germline.
Comment: This sequence change replaces arginine, which is basic and polar, with glutamine, which is neutral and polar, at codon 1633 of the OBSL1 protein (p.Arg1633Gln). This variant is present in population databases (rs747860748, gnomAD 0.03%). This variant has not been reported in the literature in individuals affected with OBSL1-related conditions. ClinVar contains an entry for this variant (Variation ID: 1519878). An algorithm developed to predict the effect of missense changes on protein structure and function outputs the following: PolyPhen-2: "Benign". The glutamine amino acid residue is found in multiple mammalian species, which suggests that this missense change does not adversely affect protein function. In summary, the available evidence is currently insufficient to determine the role of this variant in disease. Therefore, it has been classified as a Variant of Uncertain Significance.

Ambry Genetics
Classification: Likely benign for Inborn genetic diseases. Last evaluated: 2023-04-18. Review status: criteria provided, single submitter. Criteria: Ambry Variant Classification Scheme 2023. Collection method: clinical testing. Allele origin: germline.